The following is an entry in ClinVar:

ClinVar aggregate classification (germline): Uncertain significance (1 of 4 stars; one submission).

Submission:

Labcorp Genetics (formerly Invitae), Labcorp
Classification: Uncertain significance. Last evaluated: 2022-09-27. Review status: criteria provided, single submitter. Criteria: Invitae Variant Classification Sherloc (09022015). Collection method: clinical testing. Allele origin: germline.
Comment: In summary, the available evidence is currently insufficient to determine the role of this variant in disease. Therefore, it has been classified as a Variant of Uncertain Significance. This variant is not present in population databases (gnomAD no frequency). This variant has not been reported in the literature in individuals affected with RAX2-related conditions. Experimental studies and prediction algorithms are not available or were not evaluated, and the functional significance of this variant is currently unknown. This sequence change results in a frameshift in the RAX2 gene (p.Ala128Aspfs*89). While this is not anticipated to result in nonsense mediated decay, it is expected to disrupt the last 57 amino acid(s) of the RAX2 protein and extend the protein by 31 additional amino acid residues.

NM_001319074.4(RAX2):c.375_382dup (p.Ala128fs)

Gene: RAX2 (retina and anterior neural fold homeobox 2; minus strand). Cytogenetic location: 19p13.3.
Variant type: Duplication.
Coding change: c.375_382dup on transcript NM_001319074.4 (MANE Select); coding-DNA positions 375 to 382, 8 bases duplicated (ACCGCCGG; older notation c.375_382dupACCGCCGG).
Protein change: p.Ala128fs; shifts the reading frame from alanine 128.
Molecular consequence: frameshift variant.
Genome position (GRCh38, 1-based): chr19:3,770,794-3,770,801, CCGGCGGT duplicated on the plus strand (ACCGCCGG on the coding strand, the reverse complement: RAX2 is on the minus strand); duplicating any 8 consecutive bases within chr19:3,770,794-3,770,805 gives the same sequence; the c. name uses the placement nearest the transcript's 3' end. VCF-style (leftmost placement, unchanged base first): chr19-3770793-G-GCCGGCGGT. GRCh37 (hg19) VCF-style: chr19-3770791-G-GCCGGCGGT.
Other names: c.375_382dup, p.Ala128fs (NM_032753.4); short protein forms A128fs.
Identifiers: ClinVar variation 2032939 (VCV002032939.4), dbSNP rs2512317491, ClinGen allele CA2580096171.